The following is an entry in ClinVar:

ClinVar aggregate classification (germline): Uncertain significance (1 of 4 stars; one submission).

Conditions:
Dyskeratosis congenita. Identifiers: Orphanet 1775, MedGen C0265965, MONDO:0015780.

Submission:

Labcorp Genetics (formerly Invitae), Labcorp
Classification: Uncertain significance for Dyskeratosis congenita. Last evaluated: 2024-10-22. Review status: criteria provided, single submitter. Criteria: Invitae Variant Classification Sherloc (09022015). Collection method: clinical testing. Allele origin: germline.
Comment: This sequence change replaces serine, which is neutral and polar, with leucine, which is neutral and non-polar, at codon 443 of the CTC1 protein (p.Ser443Leu). This variant is not present in population databases (gnomAD no frequency). This variant has not been reported in the literature in individuals affected with CTC1-related conditions. ClinVar contains an entry for this variant (Variation ID: 2037970). An algorithm developed to predict the effect of missense changes on protein structure and function outputs the following: PolyPhen-2: "Benign". The leucine amino acid residue is found in multiple mammalian species, which suggests that this missense change does not adversely affect protein function. In summary, the available evidence is currently insufficient to determine the role of this variant in disease. Therefore, it has been classified as a Variant of Uncertain Significance.

NM_025099.6(CTC1):c.1328C>T (p.Ser443Leu)

Gene: CTC1 (CST telomere replication complex component 1; minus strand). Cytogenetic location: 17p13.1.
Variant type: single nucleotide variant.
Coding change: c.1328C>T on transcript NM_025099.6 (MANE Select); coding-DNA position 1328, C replaced by T.
Protein change: p.Ser443Leu; replaces serine 443 with leucine.
Molecular consequence: missense variant. On other transcripts: non-coding transcript variant (1).
Genome position (GRCh38, 1-based): chr17:8,235,164, G>A on the plus strand (C>T on the coding strand, the complement: CTC1 is on the minus strand). VCF-style: chr17-8235164-G-A. GRCh37 (hg19) VCF-style: chr17-8138482-G-A.
Other names: c.1328C>T, p.Ser443Leu (NM_001411067.1); short protein forms S443L.
Identifiers: ClinVar variation 2037970 (VCV002037970.3), dbSNP rs2507923932, ClinGen allele CA397984666.